The following is an entry in ClinVar:

ClinVar aggregate classification (germline): Uncertain significance (1 of 4 stars; one submission).

Submission:

GeneDx
Classification: Uncertain significance. Last evaluated: 2026-04-21. Review status: criteria provided, single submitter. Criteria: GeneDx Variant Classification Process June 2021. Collection method: clinical testing. Allele origin: germline.
Comment: Not observed at significant frequency in large population cohorts (gnomAD); In silico analysis supports that this missense variant has a deleterious effect on protein structure/function; Has not been previously published as pathogenic or benign to our knowledge

NM_006245.4(PPP2R5D):c.797A>G (p.Tyr266Cys)

Gene: PPP2R5D (protein phosphatase 2 regulatory subunit B'delta; plus strand). Cytogenetic location: 6p21.1.
Variant type: single nucleotide variant.
Coding change: c.797A>G on transcript NM_006245.4 (MANE Select); coding-DNA position 797, A replaced by G.
Protein change: p.Tyr266Cys; replaces tyrosine 266 with cysteine.
Molecular consequence: missense variant.
Genome position (GRCh38, 1-based): chr6:43,008,005, A>G. VCF-style: chr6-43008005-A-G. GRCh37 (hg19) VCF-style: chr6-42975743-A-G.
Other names: c.344A>G, p.Tyr115Cys (NM_001270476.2); c.701A>G, p.Tyr234Cys (NM_180976.3); c.479A>G, p.Tyr160Cys (NM_180977.3); short protein forms Y115C, Y160C, Y234C, Y266C.
Identifiers: ClinVar variation 5037513 (VCV005037513.1).